The following is an entry in ClinVar:

NM_000392.5(ABCC2):c.2483T>C (p.Val828Ala)

Gene: ABCC2 (ATP binding cassette subfamily C member 2; plus strand). Cytogenetic location: 10q24.2.
Variant type: single nucleotide variant.
Coding change: c.2483T>C on transcript NM_000392.5 (MANE Select); coding-DNA position 2483, T replaced by C.
Protein change: p.Val828Ala; replaces valine 828 with alanine.
Molecular consequence: missense variant.
Genome position (GRCh38, 1-based): chr10:99,819,132, T>C. VCF-style: chr10-99819132-T-C. GRCh37 (hg19) VCF-style: chr10-101578889-T-C.
Other names: short protein forms V828A.
Identifiers: ClinVar variation 4997864 (VCV004997864.1).
Genomic context (GRCh38, chr10:99,819,132, plus strand): 5'-TCATATTATTTTTATAGACTCGACTCTTGGTTACACATAGCATGCACTTTCTTCCTCAAG[T>C]GGATGAGATTGTAGTTCTGGGGAATGGAACAATTGTAGAGAAAGGATCCTACAGTGCTCT-3'
Protein context (NP_000383.2, residues 818-838): VTHSMHFLPQ[Val828Ala]DEIVVLGNGT

ClinVar aggregate classification (germline): Uncertain significance (1 of 4 stars; one submission).

Conditions:
ABCC2-related disorder. Also called: ABCC2-related condition.

Submission:

PreventionGenetics, part of Exact Sciences
Classification: Uncertain significance for ABCC2-related condition. Last evaluated: 2025-04-09. Review status: criteria provided, single submitter. Criteria: ACMG Guidelines, 2015. Collection method: clinical testing. Allele origin: germline.
Comment: The ABCC2 c.2483T>C variant is predicted to result in the amino acid substitution p.Val828Ala. To our knowledge, this variant has not been reported in the literature or in a large population database (gnomAD), indicating this variant is rare. At this time, the clinical significance of this variant is uncertain due to the absence of conclusive functional and genetic evidence.